The following is an entry in ClinVar:

ClinVar aggregate classification (germline): Likely benign. Review status: criteria provided, multiple submitters, no conflicts (2 of 4 stars). 2 submissions from 2 submitters: Likely benign (2). Last evaluated 2024-03-30.

gnomAD v4.1: 2 of 1,453,738 alleles (0.00014%); highest among the groups gnomAD compares: Non-Finnish European, 0.00018%; no homozygotes.

Submissions (2):

Labcorp Genetics (formerly Invitae), Labcorp
Classification: Likely benign. Last evaluated: 2024-03-30. Review status: criteria provided, single submitter. Criteria: Invitae Variant Classification Sherloc (09022015). Collection method: clinical testing. Allele origin: germline.

CeGaT Center for Human Genetics Tuebingen
Classification: Likely benign. Last evaluated: 2022-03-01. Review status: criteria provided, single submitter. Criteria: CeGaT Center For Human Genetics Tuebingen Variant Classification Criteria Version 2. Collection method: clinical testing. Allele origin: germline. Affected: yes. Observed: 1 variant allele.
Comment: GRIN2D: BP4, BP7

NM_000836.4(GRIN2D):c.282G>A (p.Ser94=)

Gene: GRIN2D (glutamate ionotropic receptor NMDA type subunit 2D; plus strand). Cytogenetic location: 19q13.33.
Variant type: single nucleotide variant.
Coding change: c.282G>A on transcript NM_000836.4 (MANE Select); coding-DNA position 282, G replaced by A.
Protein change: p.Ser94=; no amino-acid change (serine 94 retained).
Molecular consequence: synonymous variant.
Genome position (GRCh38, 1-based): chr19:48,398,674, G>A. VCF-style: chr19-48398674-G-A. GRCh37 (hg19) VCF-style: chr19-48901931-G-A.
Identifiers: ClinVar variation 2650198 (VCV002650198.26), dbSNP rs1600967462, ClinGen allele CA508037616.